The following is an entry in ClinVar:

NM_020632.3(ATP6V0A4):c.52C>T (p.Gln18Ter)

Genes: ATP6V0A4 (ATPase H+ transporting V0 subunit a4; minus strand), LOC129389889 (MPRA-validated peak6777 silencer; plus strand). Cytogenetic location: 7q34.
Variant type: single nucleotide variant.
Coding change: c.52C>T on transcript NM_020632.3 (MANE Select); coding-DNA position 52, C replaced by T.
Protein change: p.Gln18Ter; replaces glutamine 18 with a stop codon.
Molecular consequence: nonsense.
Genome position (GRCh38, 1-based): chr7:138,771,196, G>A on the plus strand (C>T on the coding strand, the complement: ATP6V0A4 is on the minus strand). VCF-style: chr7-138771196-G-A. GRCh37 (hg19) VCF-style: chr7-138455941-G-A.
Other names: c.52C>T, p.Gln18Ter (NM_130840.3, NM_130841.3); short protein forms Q18*.
Identifiers: ClinVar variation 1179181 (VCV001179181.3), dbSNP rs1384393001, ClinGen allele CA369380104.
Genomic context (GRCh38, chr7:138,771,196, plus strand): 5'-TGAACTGAACCAATCCGAGCTCTCCGAGCTCAGCCACACAGCAATATGCAGCTTCCACCT[G>A]GAGAAACAGTTGTGACAAACACATCTCCTCGCTTCGAAACACAGACACCATCTTGGCCCA-3'

ClinVar aggregate classification (germline): Pathogenic/Likely pathogenic. Review status: criteria provided, single submitter (1 of 4 stars). 2 submissions from 1 submitter: Pathogenic (1); Likely pathogenic (1). Last evaluated 2024-02-21.

Conditions:
Autosomal recessive distal renal tubular acidosis. Identifiers: Orphanet 402041, MedGen C1864498, MONDO:0018440.
Renal tubular acidosis, distal, 3, with or without sensorineural hearing loss (DRTA3). Identifiers: MedGen C5399980, MONDO:0011268, OMIM 602722.

Allele frequency attached by ClinVar (database versions not stated): gnomAD exomes below 0.00001 and 0.00001.
gnomAD v4.1: 5 of 1,614,120 alleles (0.00031%); highest among the groups gnomAD compares: South Asian, 0.0011%; no homozygotes.

Submissions (2):

Fulgent Genetics
Classification: Pathogenic for Renal tubular acidosis, distal, 3, with or without sensorineural hearing loss. Last evaluated: 2024-02-21. Review status: criteria provided, single submitter. Criteria: ACMG Guidelines, 2015. Collection method: clinical testing. Allele origin: germline.

Fulgent Genetics
Classification: Likely pathogenic for Renal tubular acidosis, distal, 3, with or without sensorineural hearing loss. Last evaluated: 2021-06-30. Review status: criteria provided, single submitter. Criteria: ACMG Guidelines, 2015. Collection method: clinical testing. Allele origin: unknown.
Comment: This variant has been detected in individual(s) who were sent for testing of Renasight - kidney gene panel.